The following is an entry in ClinVar:

ClinVar aggregate classification (germline): Uncertain significance (1 of 4 stars; one submission).

Conditions:
Cardiovascular phenotype. Identifiers: MedGen CN230736.

gnomAD v4.1: 4 of 1,597,914 alleles (0.00025%); highest among the groups gnomAD compares: Non-Finnish European, 0.00034%; no homozygotes.

Submission:

Ambry Genetics
Classification: Uncertain significance for Cardiovascular phenotype. Last evaluated: 2025-02-10. Review status: criteria provided, single submitter. Criteria: Ambry Variant Classification Scheme 2023. Collection method: clinical testing. Allele origin: germline.
Comment: The p.V301M variant (also known as c.901G>A), located in coding exon 3 of the APOE gene, results from a G to A substitution at nucleotide position 901. The valine at codon 301 is replaced by methionine, an amino acid with highly similar properties. This amino acid position is conserved. In addition, this alteration is predicted to be tolerated by in silico analysis. Based on the available evidence, the clinical significance of this variant remains unclear.

NM_000041.4(APOE):c.901G>A (p.Val301Met)

Gene: APOE (apolipoprotein E; plus strand). Cytogenetic location: 19q13.32.
Variant type: single nucleotide variant.
Coding change: c.901G>A on transcript NM_000041.4 (MANE Select); coding-DNA position 901, G replaced by A.
Protein change: p.Val301Met; replaces valine 301 with methionine.
Molecular consequence: missense variant.
Genome position (GRCh38, 1-based): chr19:44,909,197, G>A. VCF-style: chr19-44909197-G-A. GRCh37 (hg19) VCF-style: chr19-45412454-G-A.
Other names: c.979G>A, p.Val327Met (NM_001302688.2); c.901G>A, p.Val301Met (NM_001302689.2, NM_001302690.2, NM_001302691.2); short protein forms V327M, V301M.
Identifiers: ClinVar variation 3886441 (VCV003886441.1).